The following is an entry in ClinVar:

ClinVar aggregate classification (germline): Benign. Review status: criteria provided, multiple submitters, no conflicts (2 of 4 stars). 5 submissions from 3 submitters: Benign (5). Last evaluated 2021-05-12.

Conditions:
Autosomal recessive nonsyndromic hearing loss 1A (DFNB1A). Also called: GJB6-Related DFNB 1 Nonsyndromic Hearing Loss and Deafness; Deafness, autosomal recessive 1A; Nonsyndromic Hearing Loss and Deafness, DFNB1; GJB2-Related Autosomal Recessive Nonsyndromic Hearing Loss; Connexin 26 deafness; Deafness nonsyndromic, Connexin 26 linked. Identifiers: Orphanet 90636, MedGen C2673759, MONDO:0009076, OMIM 220290.
Ichthyosis, hystrix-like, with hearing loss. Also called: Hystrix-like ichthyosis with deafness. Identifiers: Orphanet 477, MedGen C1865234, MONDO:0011245.
Autosomal dominant nonsyndromic hearing loss 3A. Identifiers: Orphanet 90635, MedGen C2675750, MONDO:0011103, OMIM 601544.

Allele frequency attached by ClinVar (database versions not stated): 1000 Genomes Project 0.89337; 1000 Genomes Project 30x 0.88819; TOPMed 0.89271; gnomAD 0.89599 and 0.90120.

Submissions (5):

GeneDx
Classification: Benign. Last evaluated: 2021-05-12. Review status: criteria provided, single submitter. Criteria: GeneDx Variant Classification Process June 2021. Collection method: clinical testing. Allele origin: germline. Affected: yes.

Illumina Laboratory Services, Illumina
Classification: Benign for Autosomal dominant keratitis-ichthyosis-hearing loss syndrome. Last evaluated: 2018-01-13. Review status: criteria provided, single submitter. Criteria: ICSL Variant Classification Criteria 13 December 2019. Collection method: clinical testing. Allele origin: germline.
Comment: This variant was observed in the ICSL laboratory as part of a predisposition screen in an ostensibly healthy population. It had not been previously curated by ICSL or reported in the Human Gene Mutation Database (HGMD: prior to June 1st, 2018), and was therefore a candidate for classification through an automated scoring system. Utilizing variant allele frequency, disease prevalence and penetrance estimates, and inheritance mode, an automated score was calculated to assess if this variant is too frequent to cause the disease. Based on the score and internal cut-off values, a variant classified as benign is not then subjected to further curation. The score for this variant resulted in a classification of benign for this disease.

Illumina Laboratory Services, Illumina
Classification: Benign for Autosomal dominant nonsyndromic hearing loss 3A. Last evaluated: 2018-01-13. Review status: criteria provided, single submitter. Criteria: ICSL Variant Classification Criteria 13 December 2019. Collection method: clinical testing. Allele origin: germline.
Comment: the same text as in the submission from Illumina Laboratory Services, Illumina above.

Illumina Laboratory Services, Illumina
Classification: Benign for Autosomal recessive nonsyndromic hearing loss 1A. Last evaluated: 2018-01-13. Review status: criteria provided, single submitter. Criteria: ICSL Variant Classification Criteria 13 December 2019. Collection method: clinical testing. Allele origin: germline.
Comment: the same text as in the submission from Illumina Laboratory Services, Illumina above.

Breakthrough Genomics
Classification: Benign. Review status: criteria provided, single submitter. Criteria: ACMG Guidelines, 2015. Collection method: not provided. Allele origin: germline. Inheritance: Autosomal recessive inheritance. Affected: yes.

NM_004004.6(GJB2):c.*1152G>A

Gene: GJB2 (gap junction protein beta 2; minus strand). Cytogenetic location: 13q12.11.
Variant type: single nucleotide variant.
Coding change: c.*1152G>A on transcript NM_004004.6 (MANE Select); 1152 bases downstream of the stop codon, G replaced by A.
Molecular consequence: 3 prime UTR variant.
Genome position (GRCh38, 1-based): chr13:20,187,749, C>T on the plus strand (G>A on the coding strand, the complement: GJB2 is on the minus strand). VCF-style: chr13-20187749-C-T. GRCh37 (hg19) VCF-style: chr13-20761888-C-T.
Identifiers: ClinVar variation 311356 (VCV000311356.7), dbSNP rs7623, ClinGen allele CA10639100.